The following is an entry in ClinVar:

NM_001114753.3(ENG):c.574_580del (p.Arg192fs)

Gene: ENG (endoglin; minus strand). Cytogenetic location: 9q34.11.
Variant type: Deletion.
Coding change: c.574_580del on transcript NM_001114753.3 (MANE Select); coding-DNA positions 574 to 580, 7 bases deleted (CGCACGC; older notation c.574_580delCGCACGC).
Protein change: p.Arg192fs; shifts the reading frame from arginine 192.
Molecular consequence: frameshift variant.
Genome position (GRCh38, 1-based): chr9:127,825,804-127,825,810, GCGTGCG deleted on the plus strand (CGCACGC on the coding strand, the reverse complement: ENG is on the minus strand); deleting any 7 consecutive bases within chr9:127,825,804-127,825,812 gives the same sequence; the c. name uses the placement nearest the transcript's 3' end. VCF-style (leftmost placement, unchanged base first): chr9-127825803-AGCGTGCG-A. GRCh37 (hg19) VCF-style: chr9-130588082-AGCGTGCG-A.
Other names: c.574_580delCGCACGC (NM_000118.3); c.572_578delGCCGCAC, p.Arg192Serfs (NM_000118.4, NM_001406715.1); c.28_34del, p.Arg10fs (NM_001278138.2); short protein forms R10fs, R192fs.
Identifiers: ClinVar variation 618624 (VCV000618624.9), dbSNP rs1564456347, ClinGen allele CA913189494.
Genomic context (GRCh38, chr9:127,825,803, plus strand): 5'-CCGGCCACGCCTTCCAAGTGGCAGCCCCGGACCAAGGCTGGAGTACGCGGCCGCCACTCG[AGCGTGCG>A]GCCCATGTCCTGGCTGGCTTCCAGCATGCAGAAGGACAGTGACCCCTGGGCTGCAGAGAC-3'

ClinVar aggregate classification (germline): Pathogenic (1 of 4 stars; one submission).

Submission:

ARUP Laboratories, Molecular Genetics and Genomics, ARUP Laboratories
Classification: Pathogenic. Last evaluated: 2017-08-14. Review status: criteria provided, single submitter. Criteria: ARUP Molecular Germline Variant Investigation Process. Collection method: clinical testing. Allele origin: germline.
Comment: The ENG c.574_580del; p.Arg192fs variant creates a frameshift and is predicted to result in a truncated protein or absent transcript. This variant has not been reported in the literature, gene-specific databases, or general population databases (Exome Variant Server, Genome Aggregation Database). However, a different frameshift variant at the same starting position (c.574delC), and other frameshift variants downstream, have been reported in individuals with hereditary hemorrhagic telangiectasia (Olivieri 2007). Taken together, the c.574_580del variant is considered pathogenic. REFERENCES Olivieri C et al. Analysis of ENG and ACVRL1 genes in 137 HHT Italian families identifies 76 different mutations (24 novel). Comparison with other European studies. J Hum Genet. 2007;52(10):820-9.